The following is an entry in ClinVar:

NM_000059.4(BRCA2):c.2546del (p.Val849fs)

Gene: BRCA2 (BRCA2 DNA repair associated; plus strand). Cytogenetic location: 13q13.1.
Variant type: Deletion.
Coding change: c.2546del on transcript NM_000059.4 (MANE Select); coding-DNA position 2546, one base deleted (T; older notation c.2546delT).
Protein change: p.Val849fs; shifts the reading frame from valine 849.
Molecular consequence: frameshift variant. On other transcripts: non-coding transcript variant (1), intron variant (2).
Genome position (GRCh38, 1-based): chr13:32,336,901, T deleted. VCF-style (leftmost placement, unchanged base first): chr13-32336900-GT-G. GRCh37 (hg19) VCF-style: chr13-32911037-GT-G.
Other names: c.2546del, p.Val849fs (NM_001406719.1, NM_001406720.1); c.1909+3514del (NM_001406721.1); c.424+5871del (NM_001406722.1); short protein forms V849fs.
Identifiers: ClinVar variation 2566056 (VCV002566056.2), dbSNP rs2548524228, ClinGen allele CA2580614657.

ClinVar aggregate classification (germline): Pathogenic (1 of 4 stars; one submission).

Conditions:
Hereditary cancer-predisposing syndrome. Also called: Neoplastic Syndromes, Hereditary; Hereditary Cancer Syndrome; Hereditary neoplastic syndrome; Tumor predisposition. Identifiers: Orphanet 140162, MedGen C0027672, MeSH D009386, MONDO:0015356.

Submission:

Ambry Genetics
Classification: Pathogenic for Hereditary cancer-predisposing syndrome. Last evaluated: 2023-06-08. Review status: criteria provided, single submitter. Criteria: Ambry Variant Classification Scheme 2023. Collection method: clinical testing. Allele origin: germline.
Comment: The c.2546delT pathogenic mutation, located in coding exon 10 of the BRCA2 gene, results from a deletion of one nucleotide at nucleotide position 2546, causing a translational frameshift with a predicted alternate stop codon (p.V849Dfs*9). This variant is considered to be rare based on population cohorts in the Genome Aggregation Database (gnomAD). This alteration is expected to result in loss of function by premature protein truncation or nonsense-mediated mRNA decay. As such, this alteration is interpreted as a disease-causing mutation.